The following is an entry in ClinVar:

ClinVar aggregate classification (germline): Benign/Likely benign. Review status: criteria provided, multiple submitters, no conflicts (2 of 4 stars). 2 submissions from 2 submitters: Benign (1); Likely benign (1). Last evaluated 2024-11-26.

Submissions (2):

Blueprint Genetics
Classification: Likely benign. Last evaluated: 2024-11-26. Review status: criteria provided, single submitter. Criteria: ACMG Guidelines, 2015. Collection method: clinical testing. Allele origin: germline.

Mayo Clinic Laboratories, Mayo Clinic
Classification: Benign. Last evaluated: 2022-12-22. Review status: criteria provided, single submitter. Criteria: ACMG Guidelines, 2015. Collection method: clinical testing. Allele origin: germline. Observed: 1,009 variant alleles.
Comment: BA1, BP4, BP7

NM_015378.4(VPS13D):c.6650+22dup

Gene: VPS13D (vacuolar protein sorting 13 homolog D; plus strand). Cytogenetic location: 1p36.22.
Variant type: Duplication.
Coding change: c.6650+22dup on transcript NM_015378.4 (MANE Select); 22 bases into the intron after coding-DNA position 6650, one base duplicated (T; older notation c.6650+22dupT).
Molecular consequence: intron variant.
Genome position (GRCh38, 1-based): chr1:12,308,663, T duplicated; the last of 15 consecutive T bases (chr1:12,308,649-12,308,663); duplicating any one gives the same sequence. VCF-style (leftmost placement, unchanged base first): chr1-12308648-G-GT. GRCh37 (hg19) VCF-style: chr1-12368705-G-GT.
Other names: p.?; c.6650+22dup (NM_018156.4).
Identifiers: ClinVar variation 4684637 (VCV004684637.2).